The following is an entry in ClinVar:

ClinVar aggregate classification (germline): Uncertain significance. Review status: criteria provided, multiple submitters, no conflicts (2 of 4 stars). 5 submissions from 5 submitters: Uncertain significance (4). 1 of the submissions does not count toward it. Last evaluated 2025-01-27.

Conditions:
ABCC2-related disorder. Also called: ABCC2-related condition.
Inborn genetic diseases. Identifiers: MedGen C0950123, MeSH D030342.
Dubin-Johnson syndrome (DJS). Also called: HYPERBILIRUBINEMIA, DUBIN-JOHNSON TYPE; Jaundice, Chronic Idiopathic; Hyperbilirubinemia type 2. Identifiers: Orphanet 234, MedGen C0022350, MONDO:0009380, OMIM 237500.

Allele frequency attached by ClinVar (database versions not stated): TOPMed 0.00009; ExAC 0.00011; gnomAD exomes 0.00011; gnomAD 0.00014 and 0.00015; 1000 Genomes Project 30x 0.00016; 1000 Genomes Project 0.00020.
gnomAD v4.1: 149 of 1,613,544 alleles (0.0092%); highest among the groups gnomAD compares: Middle Eastern, 0.034%; 1 homozygote.

Submissions (5):

Mayo Clinic Laboratories, Mayo Clinic
Classification: Uncertain significance. Last evaluated: 2025-01-27. Review status: criteria provided, single submitter. Criteria: ACMG Guidelines, 2015. Collection method: clinical testing. Allele origin: germline. Observed: 1 variant allele.

Ambry Genetics
Classification: Uncertain significance for Inborn genetic diseases. Last evaluated: 2023-03-20. Review status: criteria provided, single submitter. Criteria: Ambry Variant Classification Scheme 2023. Collection method: clinical testing. Allele origin: germline.

Illumina Laboratory Services, Illumina
Classification: Uncertain significance for Dubin-Johnson syndrome. Last evaluated: 2018-01-15. Review status: criteria provided, single submitter. Criteria: ICSL Variant Classification Criteria 13 December 2019. Collection method: clinical testing. Allele origin: germline.

Eurofins Ntd Llc (ga)
Classification: Uncertain significance. Last evaluated: 2017-07-12. Review status: criteria provided, single submitter. Criteria: EGL Classification Definitions 2015. Collection method: clinical testing. Allele origin: germline. Observed: 3 variant alleles, 3 heterozygotes.

PreventionGenetics, part of Exact Sciences
Classification: Uncertain significance for ABCC2-related condition. Last evaluated: 2024-08-09. Review status: no assertion criteria provided. Collection method: clinical testing. Allele origin: germline. Not counted in ClinVar's aggregate classification.
Comment: The ABCC2 c.2093A>G variant is predicted to result in the amino acid substitution p.Lys698Arg. This variant occurs within the terminal codon of exon 16 and is predicted to impact splicing at the consensus donor site (SpliceAI, Jaganathan K, et al. 2019. PubMed ID: 30661751). To our knowledge, this variant has not been reported in the literature. This variant is reported in 0.040% of alleles in individuals of Ashkenazi Jewish descent in gnomAD. At this time, the clinical significance of this variant is uncertain due to the absence of conclusive functional and genetic evidence.

NM_000392.5(ABCC2):c.2093A>G (p.Lys698Arg)

Gene: ABCC2 (ATP binding cassette subfamily C member 2; plus strand). Cytogenetic location: 10q24.2.
Variant type: single nucleotide variant.
Coding change: c.2093A>G on transcript NM_000392.5 (MANE Select); coding-DNA position 2093, A replaced by G.
Protein change: p.Lys698Arg; replaces lysine 698 with arginine.
Molecular consequence: missense variant.
Genome position (GRCh38, 1-based): chr10:99,813,143, A>G. VCF-style: chr10-99813143-A-G. GRCh37 (hg19) VCF-style: chr10-101572900-A-G.
Other names: p.Lys698Arg; c.2093A>G, p.Lys698Arg (LRG_1208t1); c.2093A>G (NM_000392.4); short protein forms K698R.
Identifiers: ClinVar variation 593217 (VCV000593217.13), dbSNP rs199859869, ClinGen allele CA5643384.